The following is an entry in ClinVar:

NM_025243.4(SLC19A3):c.1309A>T (p.Ile437Phe)

Gene: SLC19A3 (solute carrier family 19 member 3; minus strand). Cytogenetic location: 2q36.3.
Variant type: single nucleotide variant.
Coding change: c.1309A>T on transcript NM_025243.4 (MANE Select); coding-DNA position 1309, A replaced by T.
Protein change: p.Ile437Phe; replaces isoleucine 437 with phenylalanine.
Molecular consequence: missense variant.
Genome position (GRCh38, 1-based): chr2:227,688,171, T>A on the plus strand (A>T on the coding strand, the complement: SLC19A3 is on the minus strand). VCF-style: chr2-227688171-T-A. GRCh37 (hg19) VCF-style: chr2-228552887-T-A.
Other names: c.1309A>T, p.Ile437Phe (NM_001371411.1, NM_001371412.1); c.1297A>T, p.Ile433Phe (NM_001371413.1, NM_001371414.1); short protein forms I433F, I437F.
Identifiers: ClinVar variation 841770 (VCV000841770.1), dbSNP rs1245174999, ClinGen allele CA350875338.
Genomic context (GRCh38, chr2:227,688,171, plus strand): 5'-AAGGTTGAGAAATTTTTGAGGTTACCTAGTTGAAAACAGAAGTATTGCAGCTTACCTGAA[T>A]GCTGACTGGCAAGTTGAGCCCTCTCTGATCTACTACAATCACAGTCATGATGGTCTGAAT-3'
Protein context (NP_079519.1, residues 427-447): DQRGLNLPVS[Ile437Phe]QFLVYGSYFA

ClinVar aggregate classification (germline): Uncertain significance (1 of 4 stars; one submission).

Conditions:
Biotin-responsive basal ganglia disease (BTBGD). Also called: Thiamine Transporter-2 Deficiency; thiamine-responsive encephalopathy; THIAMINE METABOLISM DYSFUNCTION SYNDROME 2 (BIOTIN- AND THIAMINE-RESPONSIVE TYPE); Thiamine metabolism dysfunction syndrome 2 (biotin- or thiamine-responsive encephalopathy type 2); Thiamine metabolism dysfunction syndrome type 2. Identifiers: Orphanet 199348, Orphanet 65284, MedGen C1843807, MONDO:0011841, OMIM 607483.

Submission:

Labcorp Genetics (formerly Invitae), Labcorp
Classification: Uncertain significance for Biotin-thiamine-responsive basal ganglia disease. Last evaluated: 2019-12-06. Review status: criteria provided, single submitter. Criteria: Invitae Variant Classification Sherloc (09022015). Collection method: clinical testing. Allele origin: germline.
Comment: This sequence change replaces isoleucine with phenylalanine at codon 437 of the SLC19A3 protein (p.Ile437Phe). The isoleucine residue is weakly conserved and there is a small physicochemical difference between isoleucine and phenylalanine. This variant is not present in population databases (ExAC no frequency). This variant has not been reported in the literature in individuals with SLC19A3-related conditions. Algorithms developed to predict the effect of missense changes on protein structure and function are either unavailable or do not agree on the potential impact of this missense change (SIFT: "Tolerated"; PolyPhen-2: "Possibly Damaging"; Align-GVGD: "Class C0"). In summary, the available evidence is currently insufficient to determine the role of this variant in disease. Therefore, it has been classified as a Variant of Uncertain Significance.